The following is an entry in ClinVar:

NM_001378120.1(MBD5):c.1729A>G (p.Ser577Gly)

Gene: MBD5 (methyl-CpG binding domain protein 5; plus strand). Cytogenetic location: 2q23.1.
Variant type: single nucleotide variant.
Coding change: c.1729A>G on transcript NM_001378120.1 (MANE Select); coding-DNA position 1729, A replaced by G.
Protein change: p.Ser577Gly; replaces serine 577 with glycine.
Molecular consequence: missense variant.
Genome position (GRCh38, 1-based): chr2:148,469,672, A>G. VCF-style: chr2-148469672-A-G. GRCh37 (hg19) VCF-style: chr2-149227241-A-G.
Other names: c.1729A>G, p.Ser577Gly (NM_018328.5); short protein forms S577G.
Identifiers: ClinVar variation 2743944 (VCV002743944.3), dbSNP rs2469868645, ClinGen allele CA348720310.

ClinVar aggregate classification (germline): Uncertain significance (1 of 4 stars; one submission).

Conditions:
Intellectual developmental disorder, autosomal dominant 1. Also called: Intellectual disability, autosomal dominant 1; MBD5 Haploinsufficiency. Identifiers: Orphanet 228402, MedGen C1969562, MONDO:0007974, OMIM 156200.

Submission:

Labcorp Genetics (formerly Invitae), Labcorp
Classification: Uncertain significance for Intellectual developmental disorder, autosomal dominant 1. Last evaluated: 2024-04-25. Review status: criteria provided, single submitter. Criteria: Invitae Variant Classification Sherloc (09022015). Collection method: clinical testing. Allele origin: germline.
Comment: This sequence change replaces serine, which is neutral and polar, with glycine, which is neutral and non-polar, at codon 577 of the MBD5 protein (p.Ser577Gly). This variant is not present in population databases (gnomAD no frequency). This variant has not been reported in the literature in individuals affected with MBD5-related conditions. Advanced modeling of protein sequence and biophysical properties (such as structural, functional, and spatial information, amino acid conservation, physicochemical variation, residue mobility, and thermodynamic stability) has been performed at Invitae for this missense variant, however the output from this modeling did not meet the statistical confidence thresholds required to predict the impact of this variant on MBD5 protein function. In summary, the available evidence is currently insufficient to determine the role of this variant in disease. Therefore, it has been classified as a Variant of Uncertain Significance.